The following is an entry in ClinVar:

ClinVar aggregate classification (germline): Benign/Likely benign. Review status: criteria provided, multiple submitters, no conflicts (2 of 4 stars). 15 submissions from 15 submitters: Benign (2); Likely benign (8). 5 of the submissions do not count toward it. Last evaluated 2026-05-01.

Conditions:
MYPN-related disorder. Also called: MYPN-related condition.
Cardiovascular phenotype. Identifiers: MedGen CN230736.
Dilated cardiomyopathy 1KK (CMD1KK). Identifiers: Orphanet 154, Orphanet 75249, MedGen C3714995, MONDO:0014100, OMIM 615248.

Allele frequency attached by ClinVar (database versions not stated): ESP Exome Variant Server 0.00015; ExAC 0.00029; gnomAD exomes 0.00031 and 0.00066; gnomAD 0.00036 and 0.00037; TOPMed 0.00040.

Submissions (15):

CeGaT Center for Human Genetics Tuebingen
Classification: Likely benign. Last evaluated: 2026-05-01. Review status: criteria provided, single submitter. Criteria: CeGaT Center For Human Genetics Tuebingen Variant Classification Criteria Version 2. Collection method: clinical testing. Allele origin: germline. Affected: yes. Observed: 4 variant alleles.
Comment: MYPN: BP4, BP7

Labcorp Genetics (formerly Invitae), Labcorp
Classification: Likely benign for Dilated cardiomyopathy 1KK. Last evaluated: 2026-02-01. Review status: criteria provided, single submitter. Criteria: Invitae Variant Classification Sherloc (09022015). Collection method: clinical testing. Allele origin: germline.

Mayo Clinic Laboratories, Mayo Clinic
Classification: Likely benign. Last evaluated: 2025-06-25. Review status: criteria provided, single submitter. Criteria: ACMG Guidelines, 2015. Collection method: clinical testing. Allele origin: germline. Observed: 1 variant allele.
Comment: BS1, BP4, BP7

Blueprint Genetics
Classification: Likely benign. Last evaluated: 2024-10-18. Review status: criteria provided, single submitter. Criteria: ACMG Guidelines, 2015. Collection method: clinical testing. Allele origin: germline.

Women's Health and Genetics/Laboratory Corporation of America, LabCorp
Classification: Benign. Last evaluated: 2023-10-29. Review status: criteria provided, single submitter. Criteria: LabCorp Variant Classification Summary - May 2015. Collection method: clinical testing. Allele origin: germline.

ARUP Laboratories, Molecular Genetics and Genomics, ARUP Laboratories
Classification: Likely benign. Last evaluated: 2020-06-02. Review status: criteria provided, single submitter. Criteria: ARUP Molecular Germline Variant Investigation Process. Collection method: clinical testing. Allele origin: germline.

Ambry Genetics
Classification: Likely benign for Cardiovascular phenotype. Last evaluated: 2019-06-19. Review status: criteria provided, single submitter. Criteria: Ambry Variant Classification Scheme 2023. Collection method: clinical testing. Allele origin: germline.

Clinical Genetics DNA and cytogenetics Diagnostics Lab, Erasmus MC, Erasmus Medical Center
Classification: Likely benign for Dilated cardiomyopathy 1KK. Last evaluated: 2015-09-21. Review status: criteria provided, single submitter. Criteria: ACGS Guidelines, 2013. Collection method: clinical testing. Allele origin: germline. Affected: yes. Study: VKGL Data-share Consensus.

GeneDx
Classification: Benign. Last evaluated: 2015-03-03. Review status: criteria provided, single submitter. Criteria: GeneDx Variant Classification Process June 2021. Collection method: clinical testing. Allele origin: germline. Affected: yes.

Laboratory for Molecular Medicine, Mass General Brigham Personalized Medicine
Classification: Likely benign. Last evaluated: 2015-01-13. Review status: criteria provided, single submitter. Criteria: LMM Criteria. Collection method: clinical testing. Allele origin: germline. Observed: 1 variant allele.
Comment: p.Ala554Ala in exon 11 of MYPN: This variant is not expected to have clinical si gnificance because it does not alter an amino acid residue and is not located wi thin the splice consensus sequence. It has been identified in 2/8600 European Am erican chromosomes from a broad population by the NHLBI Exome Sequencing Project (dbSNP rs71584488).

PreventionGenetics, part of Exact Sciences
Classification: Likely benign for MYPN-related condition. Last evaluated: 2020-11-02. Review status: no assertion criteria provided. Collection method: clinical testing. Allele origin: germline. Not counted in ClinVar's aggregate classification.
Comment: This variant is classified as likely benign based on ACMG/AMP sequence variant interpretation guidelines (Richards et al. 2015 PMID: 25741868, with internal and published modifications).

Leiden Muscular Dystrophy (MYPN)
No classification provided. Last evaluated: 2012-04-27. Review status: no classification provided. Collection method: curation. Allele origin: germline. Not counted in ClinVar's aggregate classification.

Clinical Genetics, Academic Medical Center
Classification: Benign. Review status: no assertion criteria provided. Collection method: clinical testing. Allele origin: germline. Affected: yes. Study: VKGL Data-share Consensus. Not counted in ClinVar's aggregate classification.

Diagnostic Laboratory, Department of Genetics, University Medical Center Groningen
Classification: Likely benign for Dilated cardiomyopathy 1KK. Review status: no assertion criteria provided. Collection method: clinical testing. Allele origin: germline. Affected: yes. Study: VKGL Data-share Consensus. Not counted in ClinVar's aggregate classification.

Genome Diagnostics Laboratory, University Medical Center Utrecht
Classification: Likely benign. Review status: no assertion criteria provided. Collection method: clinical testing. Allele origin: germline. Affected: yes. Study: VKGL Data-share Consensus. Not counted in ClinVar's aggregate classification.

NM_032578.4(MYPN):c.1662A>C (p.Ala554=)

Gene: MYPN (myopalladin; plus strand). Cytogenetic location: 10q21.3.
Variant type: single nucleotide variant.
Coding change: c.1662A>C on transcript NM_032578.4 (MANE Select); coding-DNA position 1662, A replaced by C.
Protein change: p.Ala554=; no amino-acid change (alanine 554 retained).
Molecular consequence: synonymous variant. On other transcripts: non-coding transcript variant (2).
Genome position (GRCh38, 1-based): chr10:68,166,355, A>C. VCF-style: chr10-68166355-A-C. GRCh37 (hg19) VCF-style: chr10-69926112-A-C.
Other names: p.Ala554=; c.1662A>C, p.Ala554= (NM_001256267.2); c.780A>C, p.Ala260= (NM_001256268.2).
Identifiers: ClinVar variation 31802 (VCV000031802.55), dbSNP rs71584488, ClinGen allele CA215301.